The following is an entry in ClinVar:

ClinVar aggregate classification (germline): Uncertain significance (1 of 4 stars; one submission).

Conditions:
Autosomal recessive spastic paraplegia type 78. Identifiers: Orphanet 513436, MedGen C5567893, MONDO:0014975, OMIM 617225.
Kufor-Rakeb syndrome (KRS). Also called: PARKINSON DISEASE 9, AUTOSOMAL RECESSIVE, JUVENILE-ONSET. Identifiers: Orphanet 306674, Orphanet 314632, MedGen C1847640, MONDO:0011706, OMIM 606693.

Allele frequency attached by ClinVar (database versions not stated): gnomAD exomes below 0.00001.
gnomAD v4.1: 1 of 1,585,790 alleles (0.000063%); highest among the groups gnomAD compares: Admixed American, 0.0018%; no homozygotes.

Submission:

Labcorp Genetics (formerly Invitae), Labcorp
Classification: Uncertain significance for Kufor-Rakeb syndrome; Autosomal recessive spastic paraplegia type 78. Last evaluated: 2022-07-15. Review status: criteria provided, single submitter. Criteria: Invitae Variant Classification Sherloc (09022015). Collection method: clinical testing. Allele origin: germline.
Comment: This sequence change falls in intron 3 of the ATP13A2 gene. It does not directly change the encoded amino acid sequence of the ATP13A2 protein. This variant is present in population databases (no rsID available, gnomAD 0.004%). This variant has not been reported in the literature in individuals affected with ATP13A2-related conditions. ClinVar contains an entry for this variant (Variation ID: 1376256). Algorithms developed to predict the effect of sequence changes on RNA splicing suggest that this variant may create or strengthen a splice site. In summary, the available evidence is currently insufficient to determine the role of this variant in disease. Therefore, it has been classified as a Variant of Uncertain Significance.

NM_022089.4(ATP13A2):c.288+13C>G

Gene: ATP13A2 (ATPase cation transporting 13A2; minus strand). Cytogenetic location: 1p36.13.
Variant type: single nucleotide variant.
Coding change: c.288+13C>G on transcript NM_022089.4 (MANE Select); 13 bases into the intron after coding-DNA position 288, C replaced by G.
Molecular consequence: intron variant.
Genome position (GRCh38, 1-based): chr1:17,005,361, G>C on the plus strand (C>G on the coding strand, the complement: ATP13A2 is on the minus strand). VCF-style: chr1-17005361-G-C. GRCh37 (hg19) VCF-style: chr1-17331856-G-C.
Other names: c.288+13C>G (NM_001141974.3, NM_001141973.3).
Identifiers: ClinVar variation 1376256 (VCV001376256.3), dbSNP rs1300682662, ClinGen allele CA521449964.